The following is an entry in ClinVar:

ClinVar aggregate classification (germline): Pathogenic. Review status: reviewed by expert panel (3 of 4 stars). 3 submissions from 3 submitters: Pathogenic (1). 2 of the submissions do not count toward it. Last evaluated 2016-09-08.

Conditions:
Hereditary cancer-predisposing syndrome. Also called: Tumor predisposition; Hereditary neoplastic syndrome; Hereditary Cancer Syndrome; Neoplastic Syndromes, Hereditary. Identifiers: Orphanet 140162, MedGen C0027672, MeSH D009386, MONDO:0015356.
Breast-ovarian cancer, familial, susceptibility to, 2 (BROVCA2). Also called: BRCA2 Hereditary Breast and Ovarian Cancer. Identifiers: Orphanet 145, MedGen C2675520, MONDO:0012933, OMIM 612555. Disease mechanism: loss of function.
Breast-ovarian cancer, familial, susceptibility to, 1 (BROVCA1). Also called: BRCA1 Hereditary Breast and Ovarian Cancer; OVARIAN CANCER, SUSCEPTIBILITY TO. Identifiers: Orphanet 145, MedGen C2676676, MONDO:0011450, OMIM 604370. Disease mechanism: loss of function.

Submissions (3):

Evidence-based Network for the Interpretation of Germline Mutant Alleles (ENIGMA)
Classification: Pathogenic for Breast-ovarian cancer, familial, susceptibility to, 2. Last evaluated: 2016-09-08. Review status: reviewed by expert panel. Criteria: ENIGMA BRCA1/2 Classification Criteria (2015). Collection method: curation. Allele origin: germline.
Comment: Variant allele predicted to encode a truncated non-functional protein.

Institute of Immunology and Genetics Kaiserslautern
Classification: Pathogenic for Breast-ovarian cancer, familial, susceptibility to, 1. Last evaluated: 2026-03-25. Review status: criteria provided, single submitter. Criteria: ACMG Guidelines, 2015. Collection method: clinical testing. Allele origin: germline. Affected: yes. Not counted in ClinVar's aggregate classification.
Comment: ACMG Criteria: PVS1, PM2; Variant was found in heterozygous state.

Ambry Genetics
Classification: Pathogenic for Hereditary cancer-predisposing syndrome. Last evaluated: 2020-01-29. Review status: criteria provided, single submitter. Criteria: Ambry Variant Classification Scheme 2023. Collection method: clinical testing. Allele origin: germline. Not counted in ClinVar's aggregate classification.
Comment: The c.6226_6229delGTTA pathogenic mutation, located in coding exon 10 of the BRCA2 gene, results from a deletion of 4 nucleotides at nucleotide positions 6226 to 6229, causing a translational frameshift with a predicted alternate stop codon (p.V2076Rfs*4). This alteration is expected to result in loss of function by premature protein truncation or nonsense-mediated mRNA decay. As such, this alteration is interpreted as a disease-causing mutation.

NM_000059.4(BRCA2):c.6226_6229del (p.Val2076fs)

Gene: BRCA2 (BRCA2 DNA repair associated; plus strand). Cytogenetic location: 13q13.1.
Variant type: Deletion.
Coding change: c.6226_6229del on transcript NM_000059.4 (MANE Select); coding-DNA positions 6226 to 6229, 4 bases deleted (GTTA; older notation c.6226_6229delGTTA).
Protein change: p.Val2076fs; shifts the reading frame from valine 2076.
Molecular consequence: frameshift variant.
Genome position (GRCh38, 1-based): chr13:32,340,581-32,340,584, GTTA deleted; deleting any 4 consecutive bases within chr13:32,340,580-32,340,584 gives the same sequence; the c. name uses the placement nearest the transcript's 3' end. VCF-style (leftmost placement, unchanged base first): chr13-32340579-AAGTT-A. GRCh37 (hg19) VCF-style: chr13-32914716-AAGTT-A.
Other names: c.6226_6229delGTTA (NM_000059.3); short protein forms V2076fs.
Identifiers: ClinVar variation 142889 (VCV000142889.9), dbSNP rs587782799, ClinGen allele CA023774.